The following is an entry in ClinVar:

ClinVar aggregate classification (germline): Uncertain significance. Review status: criteria provided, multiple submitters, no conflicts (2 of 4 stars). 2 submissions from 2 submitters: Uncertain significance (2). Last evaluated 2025-07-30.

Conditions:
Autosomal dominant nonsyndromic hearing loss 22. Also called: Autosomal dominant nonsyndromic deafness 22; DFNA 22. Identifiers: Orphanet 228012, MedGen C2931767, MONDO:0011660, OMIM 606346.

gnomAD v4.1: 15 of 1,613,758 alleles (0.00093%); highest among the groups gnomAD compares: Non-Finnish European, 0.0012%; no homozygotes.

Submissions (2):

GeneDx
Classification: Uncertain significance. Last evaluated: 2025-07-30. Review status: criteria provided, single submitter. Criteria: GeneDx Variant Classification Process June 2021. Collection method: clinical testing. Allele origin: germline. Affected: yes.
Comment: Not observed at significant frequency in large population cohorts (gnomAD); In silico analysis suggests that this missense variant does not alter protein structure/function; Has not been previously published as pathogenic or benign to our knowledge

New York Genome Center
Classification: Uncertain significance for Autosomal dominant nonsyndromic hearing loss 22. Last evaluated: 2021-03-26. Review status: criteria provided, single submitter. Criteria: NYGC Assertion Criteria 2020. Collection method: clinical testing. Allele origin: inherited. Observed: 1 heterozygote. Study: CSER-NYCKidSeq.

NM_004999.4(MYO6):c.917T>C (p.Met306Thr)

Gene: MYO6 (myosin VI; plus strand). Cytogenetic location: 6q14.1.
Variant type: single nucleotide variant.
Coding change: c.917T>C on transcript NM_004999.4 (MANE Select); coding-DNA position 917, T replaced by C.
Protein change: p.Met306Thr; replaces methionine 306 with threonine.
Molecular consequence: missense variant. On other transcripts: non-coding transcript variant (1).
Genome position (GRCh38, 1-based): chr6:75,848,370, T>C. VCF-style: chr6-75848370-T-C. GRCh37 (hg19) VCF-style: chr6-76558087-T-C.
Other names: c.917T>C (NM_004999.3); c.917T>C, p.Met306Thr (NM_001300899.2, NM_001368136.1, NM_001368137.1 and 2 more transcripts); c.902T>C, p.Met301Thr (NM_001368138.1); short protein forms M301T, M306T.
Identifiers: ClinVar variation 1342423 (VCV001342423.2), dbSNP rs2150278897, ClinGen allele CA364754298.